The following is an entry in ClinVar:

NM_000338.3(SLC12A1):c.3098del (p.Ser1033fs)

Gene: SLC12A1 (solute carrier family 12 member 1; plus strand). Cytogenetic location: 15q21.1.
Variant type: Deletion.
Coding change: c.3098del on transcript NM_000338.3 (MANE Select); coding-DNA position 3098, one base deleted (G; older notation c.3098delG).
Protein change: p.Ser1033fs; shifts the reading frame from serine 1033.
Molecular consequence: frameshift variant.
Genome position (GRCh38, 1-based): chr15:48,301,316, G deleted. VCF-style (leftmost placement, unchanged base first): chr15-48301315-AG-A. GRCh37 (hg19) VCF-style: chr15-48593512-AG-A.
Other names: c.3098del, p.Ser1033fs (NM_001184832.2, NM_001384136.1); short protein forms S1033fs.
Identifiers: ClinVar variation 2746246 (VCV002746246.3), dbSNP rs2505225464, ClinGen allele CA2697549050.

ClinVar aggregate classification (germline): Pathogenic (1 of 4 stars; one submission).

Submission:

Labcorp Genetics (formerly Invitae), Labcorp
Classification: Pathogenic. Last evaluated: 2023-07-25. Review status: criteria provided, single submitter. Criteria: Invitae Variant Classification Sherloc (09022015). Collection method: clinical testing. Allele origin: germline.
Comment: For these reasons, this variant has been classified as Pathogenic. This variant has not been reported in the literature in individuals affected with SLC12A1-related conditions. This variant is not present in population databases (gnomAD no frequency). This sequence change creates a premature translational stop signal (p.Ser1033Ilefs*7) in the SLC12A1 gene. It is expected to result in an absent or disrupted protein product. Loss-of-function variants in SLC12A1 are known to be pathogenic (PMID: 8640224, 9585600, 19096086).

Literature cited by the submitters: PubMed 8640224; PubMed 9585600; PubMed 19096086.